The following is an entry in ClinVar:

NM_000443.4(ABCB4):c.713T>C (p.Leu238Pro)

Gene: ABCB4 (ATP binding cassette subfamily B member 4; minus strand). Cytogenetic location: 7q21.12.
Variant type: single nucleotide variant.
Coding change: c.713T>C on transcript NM_000443.4 (MANE Select); coding-DNA position 713, T replaced by C.
Protein change: p.Leu238Pro; replaces leucine 238 with proline.
Molecular consequence: missense variant.
Genome position (GRCh38, 1-based): chr7:87,450,088, A>G on the plus strand (T>C on the coding strand, the complement: ABCB4 is on the minus strand). VCF-style: chr7-87450088-A-G. GRCh37 (hg19) VCF-style: chr7-87079404-A-G.
Other names: c.713T>C, p.Leu238Pro (NM_018849.3, NM_018850.3); short protein forms L238P.
Identifiers: ClinVar variation 3377479 (VCV003377479.1).
Genomic context (GRCh38, chr7:87,450,088, plus strand): 5'-TCTTCTGCCACGGCGCCTGCTTTTGCATAAGCAGCTAGTTCTTTGTCACTAAATGCCGAG[A>G]GTATCTGGACAGAAAAGAAACAGTGATCACTTTTGTATAGGGAGAAAAGTTTAAAGGCAC-3'
Protein context (NP_000434.1, residues 228-248): GLSAAVWAKI[Leu238Pro]SAFSDKELAA

ClinVar aggregate classification (germline): Uncertain significance (1 of 4 stars; one submission).

Conditions:
Progressive familial intrahepatic cholestasis type 3. Also called: Low Gamma-GT Familial Intrahepatic Cholestasis; MDR3 DEFICIENCY. Identifiers: Orphanet 79305, MedGen C1865643, MONDO:0011214, OMIM 602347.

Submission:

Victorian Clinical Genetics Services, Murdoch Childrens Research Institute
Classification: Uncertain significance for Progressive familial intrahepatic cholestasis type 3. Last evaluated: 2021-05-06. Review status: criteria provided, single submitter. Criteria: ACMG Guidelines, 2015. Collection method: clinical testing. Allele origin: germline.
Comment: Based on the classification scheme VCGS_Germline_v1.3.4, this variant is classified as VUS-3A. Following criteria are met: 0102 - Loss of function is a known mechanism of disease in this gene and is associated with intrahepatic cholestasis of pregnancy, 3 (ICP-3), low phospholipid-associated cholelithiasis (LPAC) and progressive familial intrahepatic cholestasis, 3 (PFIC) (MIM# 614972, 600803, 602347). (I) 0108 - This gene is associated with both recessive and dominant disease. There is currently no clear genotype-phenotype correlation; however, LPAC and ICP are commonly associated with autosomal dominant inheritance unless the variant leads to a partially functional protein, allowing for recessive inheritance (PMID: 32376413). (I) 0112 - The condition associated with this gene has incomplete penetrance. A single case of an asymptomatic sibling homozygous for a null variant has been reported (PMID: 32376413). (I) 0200 - Variant is predicted to result in a missense amino acid change from leucine to proline. (I) 0251 - This variant is heterozygous. (I) 0301 - Variant is absent from gnomAD (both v2 and v3). (SP) 0309 - Multiple alternative amino acid changes at the same position have been observed in gnomAD (highest allele count: 205 heterozygotes, 2 homozygotes). (I) 0501 - Missense variant consistently predicted to be damaging by multiple in silico tools or highly conserved with a major amino acid change. (SP) 0600 - Variant is located in the annotated ABC transmembrane type 1-1 (Uniprot). (I) 0705 - No comparable missense variants have previous evidence for pathogenicity. (I) 0807 - This variant has no previous evidence of pathogenicity. (I) 0905 - No published segregation evidence has been identified for this variant. (I) 1007 - No published functional evidence has been identified for this variant. (I) 1102 - Strong phenotype match for this individual. (SP) 1208 - Inheritance information for this variant is not currently available in this individual. (I) Legend: (SP) - Supporting pathogenic, (I) - Information, (SB) - Supporting benign

Literature cited by the submitters: PubMed 32376413.